The following is an entry in ClinVar:

NM_000465.4(BARD1):c.537A>G (p.Ser179=)

Gene: BARD1 (BRCA1 associated RING domain 1; minus strand). Cytogenetic location: 2q35.
Variant type: single nucleotide variant.
Coding change: c.537A>G on transcript NM_000465.4 (MANE Select); coding-DNA position 537, A replaced by G.
Protein change: p.Ser179=; no amino-acid change (serine 179 retained).
Molecular consequence: synonymous variant. On other transcripts: non-coding transcript variant (2), intron variant (3).
Genome position (GRCh38, 1-based): chr2:214,781,337, T>C on the plus strand (A>G on the coding strand, the complement: BARD1 is on the minus strand). VCF-style: chr2-214781337-T-C. GRCh37 (hg19) VCF-style: chr2-215646061-T-C.
Other names: c.480A>G, p.Ser160= (NM_001282543.2); c.158+28075A>G (NM_001282548.2); c.215+15724A>G (NM_001282545.2); c.364+10960A>G (NM_001282549.2); c.537A>G (NM_000465.2).
Identifiers: ClinVar variation 1060506 (VCV001060506.12), dbSNP rs786202959, ClinGen allele CA431135287.

ClinVar aggregate classification (germline): Benign/Likely benign. Review status: criteria provided, multiple submitters, no conflicts (2 of 4 stars). 3 submissions from 3 submitters: Benign (1); Likely benign (2). Last evaluated 2025-03-02.

Conditions:
Hereditary cancer-predisposing syndrome. Also called: Neoplastic Syndromes, Hereditary; Hereditary Cancer Syndrome; Hereditary neoplastic syndrome; Tumor predisposition. Identifiers: Orphanet 140162, MedGen C0027672, MeSH D009386, MONDO:0015356.
Familial cancer of breast. Also called: Hereditary breast cancer; BREAST CANCER, FAMILIAL; hereditary breast carcinoma. Identifiers: Orphanet 227535, MedGen C0346153, MONDO:0016419, OMIM 114480. Disease mechanism: loss of function.

Submissions (3):

Ambry Genetics
Classification: Likely benign for Hereditary cancer-predisposing syndrome. Last evaluated: 2025-03-02. Review status: criteria provided, single submitter. Criteria: Ambry Variant Classification Scheme 2023. Collection method: clinical testing. Allele origin: germline.

Myriad Genetics, Inc.
Classification: Benign for Familial cancer of breast. Last evaluated: 2024-07-22. Review status: criteria provided, single submitter. Criteria: Myriad Autosomal Dominant, Autosomal Recessive and X-Linked Classification Criteria (2023). Collection method: clinical testing. Allele origin: unknown.
Comment: This variant is considered benign. This variant is a silent/synonymous amino acid change and it is not expected to impact splicing.

Labcorp Genetics (formerly Invitae), Labcorp
Classification: Likely benign for Familial cancer of breast. Last evaluated: 2023-07-10. Review status: criteria provided, single submitter. Criteria: Invitae Variant Classification Sherloc (09022015). Collection method: clinical testing. Allele origin: germline.